The following is an entry in ClinVar:

ClinVar aggregate classification (germline): Uncertain significance (1 of 4 stars; one submission).

Conditions:
Glycogen storage disease IXd (GSD9D). Also called: Muscle Phosphorylase Kinase Deficiency; GSD IXd. Identifiers: Orphanet 715, MedGen C1845151, MONDO:0010362, OMIM 300559.

Submission:

Labcorp Genetics (formerly Invitae), Labcorp
Classification: Uncertain significance for Glycogen storage disease IXd. Last evaluated: 2022-01-04. Review status: criteria provided, single submitter. Criteria: Invitae Variant Classification Sherloc (09022015). Collection method: clinical testing. Allele origin: germline.
Comment: This variant, c.2101_2106del, results in the deletion of 2 amino acid(s) of the PHKA1 protein (p.Ser701_Leu702del), but otherwise preserves the integrity of the reading frame. This variant is not present in population databases (gnomAD no frequency). This variant has not been reported in the literature in individuals affected with PHKA1-related conditions. Algorithms developed to predict the effect of sequence changes on RNA splicing suggest that this variant may create or strengthen a splice site. In summary, the available evidence is currently insufficient to determine the role of this variant in disease. Therefore, it has been classified as a Variant of Uncertain Significance.

NM_002637.4(PHKA1):c.2101_2106del (p.Ser701_Leu702del)

Gene: PHKA1 (phosphorylase kinase regulatory subunit alpha 1; minus strand). Cytogenetic location: Xq13.1.
Variant type: Deletion.
Coding change: c.2101_2106del on transcript NM_002637.4 (MANE Select); coding-DNA positions 2101 to 2106, 6 bases deleted (TCCTTG; older notation c.2101_2106delTCCTTG).
Protein change: p.Ser701_Leu702del.
Molecular consequence: inframe deletion. On other transcripts: intron variant (1).
Genome position (GRCh38, 1-based): chrX:72,620,756-72,620,761, CAAGGA deleted on the plus strand (TCCTTG on the coding strand, the reverse complement: PHKA1 is on the minus strand); deleting any 6 consecutive bases within chrX:72,620,756-72,620,763 gives the same sequence; the c. name uses the placement nearest the transcript's 3' end. VCF-style (leftmost placement, unchanged base first): chrX-72620755-CCAAGGA-C. GRCh37 (hg19) VCF-style: chrX-71840605-CCAAGGA-C.
Other names: c.2101_2106del, p.Ser701_Leu702del (NM_001122670.2); c.1961-1456_1961-1451del (NM_001172436.2).
Identifiers: ClinVar variation 2073776 (VCV002073776.4), dbSNP rs2522485644, ClinGen allele CA2580101398.